The following is an entry in ClinVar:

NM_000062.3(SERPING1):c.20T>G (p.Leu7Arg)

Gene: SERPING1 (serpin family G member 1; plus strand). Cytogenetic location: 11q12.1.
Variant type: single nucleotide variant.
Coding change: c.20T>G on transcript NM_000062.3 (MANE Select); coding-DNA position 20, T replaced by G.
Protein change: p.Leu7Arg; replaces leucine 7 with arginine.
Molecular consequence: missense variant.
Genome position (GRCh38, 1-based): chr11:57,598,290, T>G. VCF-style: chr11-57598290-T-G. GRCh37 (hg19) VCF-style: chr11-57365763-T-G.
Other names: c.20T>G, p.Leu7Arg (NM_001032295.2); short protein forms L7R.
Identifiers: ClinVar variation 4744238 (VCV004744238.2).

ClinVar aggregate classification (germline): Uncertain significance. Review status: criteria provided, multiple submitters, no conflicts (2 of 4 stars). 2 submissions from 2 submitters: Uncertain significance (2). Last evaluated 2026-01-14.

Conditions:
Inborn genetic diseases. Identifiers: MedGen C0950123, MeSH D030342.

Submissions (2):

Ambry Genetics
Classification: Uncertain significance for Inborn genetic diseases. Last evaluated: 2026-01-14. Review status: criteria provided, single submitter. Criteria: Ambry Variant Classification Scheme 2023. Collection method: clinical testing. Allele origin: germline.

Labcorp Genetics (formerly Invitae), Labcorp
Classification: Uncertain significance. Last evaluated: 2025-06-10. Review status: criteria provided, single submitter. Criteria: Invitae Variant Classification Sherloc (09022015). Collection method: clinical testing. Allele origin: germline.
Comment: This sequence change replaces leucine, which is neutral and non-polar, with arginine, which is basic and polar, at codon 7 of the SERPING1 protein (p.Leu7Arg). This variant is present in population databases (rs765774755, gnomAD 0.002%). This variant has not been reported in the literature in individuals affected with SERPING1-related conditions. Invitae Evidence Modeling of protein sequence and biophysical properties (such as structural, functional, and spatial information, amino acid conservation, physicochemical variation, residue mobility, and thermodynamic stability) indicates that this missense variant is not expected to disrupt SERPING1 protein function with a negative predictive value of 95%. In summary, the available evidence is currently insufficient to determine the role of this variant in disease. Therefore, it has been classified as a Variant of Uncertain Significance.